The following is an entry in ClinVar:

ClinVar aggregate classification (germline): Uncertain significance (1 of 4 stars; one submission).

gnomAD v4.1: 1 of 1,550,758 alleles (0.000064%); highest among the groups gnomAD compares: African/African-American, 0.0014%; no homozygotes.

Submission:

Athena Diagnostics
Classification: Uncertain significance. Last evaluated: 2025-06-11. Review status: criteria provided, single submitter. Criteria: Athena Diagnostics Criteria. Collection method: clinical testing. Allele origin: unknown.
Comment: Available data are insufficient to determine the clinical significance of the variant at this time. The frequency of this variant in the general population is uninformative in assessment of its pathogenicity. Polyphen and MutationTaster predict this amino acid change may be benign.

NM_000435.3(NOTCH3):c.1530A>T (p.Glu510Asp)

Gene: NOTCH3 (notch receptor 3; minus strand). Cytogenetic location: 19p13.12.
Variant type: single nucleotide variant.
Coding change: c.1530A>T on transcript NM_000435.3 (MANE Select); coding-DNA position 1530, A replaced by T.
Protein change: p.Glu510Asp; replaces glutamic acid 510 with aspartic acid.
Molecular consequence: missense variant.
Genome position (GRCh38, 1-based): chr19:15,187,957, T>A on the plus strand (A>T on the coding strand, the complement: NOTCH3 is on the minus strand). VCF-style: chr19-15187957-T-A. GRCh37 (hg19) VCF-style: chr19-15298768-T-A.
Other names: short protein forms E510D.
Identifiers: ClinVar variation 4682277 (VCV004682277.1).